The following is an entry in ClinVar:

NM_173495.3(PTCHD1):c.310G>A (p.Ala104Thr)

Gene: PTCHD1 (patched domain containing 1; plus strand). Cytogenetic location: Xp22.11.
Variant type: single nucleotide variant.
Coding change: c.310G>A on transcript NM_173495.3 (MANE Select); coding-DNA position 310, G replaced by A.
Protein change: p.Ala104Thr; replaces alanine 104 with threonine.
Molecular consequence: missense variant.
Genome position (GRCh38, 1-based): chrX:23,335,185, G>A. VCF-style: chrX-23335185-G-A. GRCh37 (hg19) VCF-style: chrX-23353302-G-A.
Other names: short protein forms A104T.
Identifiers: ClinVar variation 1315237 (VCV001315237.2), dbSNP rs1336230916, ClinGen allele CA412579394.

ClinVar aggregate classification (germline): Uncertain significance (1 of 4 stars; one submission).

Allele frequency attached by ClinVar (database versions not stated): TOPMed below 0.00001; gnomAD 0.00005 and 0.00006.
gnomAD v4.1: 6 of 1,210,777 alleles (0.0005%); highest among the groups gnomAD compares: African/African-American, 0.01%; no homozygotes.

Submission:

GeneDx
Classification: Uncertain significance. Last evaluated: 2020-02-06. Review status: criteria provided, single submitter. Criteria: GeneDx Variant Classification Process June 2021. Collection method: clinical testing. Allele origin: germline. Affected: yes.
Comment: In silico analysis supports that this missense variant does not alter protein structure/function; Has not been previously published as pathogenic or benign to our knowledge